The following is an entry in ClinVar:

ClinVar aggregate classification (germline): Uncertain significance (1 of 4 stars; one submission).

Conditions:
Hereditary sensory neuropathy-deafness-dementia syndrome. Also called: Hereditary sensory neuropathy type IE; HSN IE; NEUROPATHY, HEREDITARY SENSORY, WITH HEARING LOSS AND DEMENTIA; Hereditary Sensory and Autonomic Neuropathy Type 1E (HSAN1E). Identifiers: Orphanet 456318, MedGen C3279885, MONDO:0013584, OMIM 614116.

gnomAD v4.1: 4 of 1,613,934 alleles (0.00025%); highest among the groups gnomAD compares: East Asian, 0.0022%; no homozygotes.

Submission:

Labcorp Genetics (formerly Invitae), Labcorp
Classification: Uncertain significance for Hereditary sensory neuropathy-deafness-dementia syndrome. Last evaluated: 2022-03-09. Review status: criteria provided, single submitter. Criteria: Invitae Variant Classification Sherloc (09022015). Collection method: clinical testing. Allele origin: germline.
Comment: In summary, the available evidence is currently insufficient to determine the role of this variant in disease. Therefore, it has been classified as a Variant of Uncertain Significance. Algorithms developed to predict the effect of missense changes on protein structure and function (SIFT, PolyPhen-2, Align-GVGD) all suggest that this variant is likely to be disruptive. ClinVar contains an entry for this variant (Variation ID: 950152). This variant has not been reported in the literature in individuals affected with DNMT1-related conditions. This variant is present in population databases (no rsID available, gnomAD 0.006%). This sequence change replaces arginine, which is basic and polar, with histidine, which is basic and polar, at codon 221 of the DNMT1 protein (p.Arg221His).

NM_001130823.3(DNMT1):c.662G>A (p.Arg221His)

Gene: DNMT1 (DNA methyltransferase 1; minus strand). Cytogenetic location: 19p13.2.
Variant type: single nucleotide variant.
Coding change: c.662G>A on transcript NM_001130823.3 (MANE Select); coding-DNA position 662, G replaced by A.
Protein change: p.Arg221His; replaces arginine 221 with histidine.
Molecular consequence: missense variant.
Genome position (GRCh38, 1-based): chr19:10,173,892, C>T on the plus strand (G>A on the coding strand, the complement: DNMT1 is on the minus strand). VCF-style: chr19-10173892-C-T. GRCh37 (hg19) VCF-style: chr19-10284568-C-T.
Other names: c.614G>A, p.Arg205His (NM_001318730.2, NM_001379.4); c.299G>A, p.Arg100His (NM_001318731.2); short protein forms R100H, R221H, R205H.
Identifiers: ClinVar variation 950152 (VCV000950152.9), dbSNP rs747469397, ClinGen allele CA403944145.